The following is an entry in ClinVar:

ClinVar aggregate classification (germline): Uncertain significance (1 of 4 stars; one submission).

gnomAD v4.1: 30 of 1,589,924 alleles (0.0019%); highest among the groups gnomAD compares: Non-Finnish European, 0.00043%; no homozygotes.

Submission:

Labcorp Genetics (formerly Invitae), Labcorp
Classification: Uncertain significance. Last evaluated: 2022-04-09. Review status: criteria provided, single submitter. Criteria: Invitae Variant Classification Sherloc (09022015). Collection method: clinical testing. Allele origin: germline.
Comment: This sequence change replaces tyrosine, which is neutral and polar, with serine, which is neutral and polar, at codon 29 of the PLAA protein (p.Tyr29Ser). This variant is present in population databases (rs756160184, gnomAD 0.09%). This variant has not been reported in the literature in individuals affected with PLAA-related conditions. Algorithms developed to predict the effect of missense changes on protein structure and function (SIFT, PolyPhen-2, Align-GVGD) all suggest that this variant is likely to be tolerated. In summary, the available evidence is currently insufficient to determine the role of this variant in disease. Therefore, it has been classified as a Variant of Uncertain Significance.

NM_001031689.3(PLAA):c.86A>C (p.Tyr29Ser)

Gene: PLAA (phospholipase A2 activating protein; minus strand). Cytogenetic location: 9p21.2.
Variant type: single nucleotide variant.
Coding change: c.86A>C on transcript NM_001031689.3 (MANE Select); coding-DNA position 86, A replaced by C.
Protein change: p.Tyr29Ser; replaces tyrosine 29 with serine.
Molecular consequence: missense variant.
Genome position (GRCh38, 1-based): chr9:26,946,960, T>G on the plus strand (A>C on the coding strand, the complement: PLAA is on the minus strand). VCF-style: chr9-26946960-T-G. GRCh37 (hg19) VCF-style: chr9-26946958-T-G.
Other names: c.86A>C, p.Tyr29Ser (NM_001321546.2); short protein forms Y29S.
Identifiers: ClinVar variation 2070607 (VCV002070607.4), dbSNP rs756160184, ClinGen allele CA5014738.